The following is an entry in ClinVar:

ClinVar aggregate classification (germline): Uncertain significance (1 of 4 stars; one submission).

Conditions:
Nephronophthisis 16 (NPHP16). Identifiers: Orphanet 655, MedGen C3809320, MONDO:0014158, OMIM 615382.

gnomAD v4.1: 13 of 1,611,282 alleles (0.00081%); highest among the groups gnomAD compares: Non-Finnish European, 0.001%; no homozygotes.

Submission:

Labcorp Genetics (formerly Invitae), Labcorp
Classification: Uncertain significance for Nephronophthisis 16. Last evaluated: 2024-05-06. Review status: criteria provided, single submitter. Criteria: Invitae Variant Classification Sherloc (09022015). Collection method: clinical testing. Allele origin: germline.
Comment: This sequence change replaces glutamic acid, which is acidic and polar, with glutamine, which is neutral and polar, at codon 212 of the ANKS6 protein (p.Glu212Gln). This variant is present in population databases (rs769180403, gnomAD 0.003%). This variant has not been reported in the literature in individuals affected with ANKS6-related conditions. An algorithm developed to predict the effect of missense changes on protein structure and function (PolyPhen-2) suggests that this variant is likely to be tolerated. In summary, the available evidence is currently insufficient to determine the role of this variant in disease. Therefore, it has been classified as a Variant of Uncertain Significance.

NM_173551.5(ANKS6):c.634G>C (p.Glu212Gln)

Gene: ANKS6 (ankyrin repeat and sterile alpha motif domain containing 6; minus strand). Cytogenetic location: 9q22.33.
Variant type: single nucleotide variant.
Coding change: c.634G>C on transcript NM_173551.5 (MANE Select); coding-DNA position 634, G replaced by C.
Protein change: p.Glu212Gln; replaces glutamic acid 212 with glutamine.
Molecular consequence: missense variant.
Genome position (GRCh38, 1-based): chr9:98,790,332, C>G on the plus strand (G>C on the coding strand, the complement: ANKS6 is on the minus strand). VCF-style: chr9-98790332-C-G. GRCh37 (hg19) VCF-style: chr9-101552614-C-G.
Other names: short protein forms E212Q.
Identifiers: ClinVar variation 3714487 (VCV003714487.2).
Genomic context (GRCh38, chr9:98,790,332, plus strand): 5'-CCAGCATCAGCGGGCTCCAGCCCACGGTCCGGGCTGCGTGGTTGGGGTCCGCGCCCCACT[C>G]CATCAGTAGACGCACCACGGCCTCGTGCCCGTGCTGGATGGCAGCCATCAGGGCTGTGAT-3'
Protein context (NP_775822.3, residues 202-222): GHEAVVRLLM[Glu212Gln]WGADPNHAAR